The following is an entry in ClinVar:

ClinVar aggregate classification (germline): Benign/Likely benign. Review status: criteria provided, multiple submitters, no conflicts (2 of 4 stars). 12 submissions from 12 submitters: Benign (5); Likely benign (2). 5 of the submissions do not count toward it. Last evaluated 2025-08-12.

Conditions:
Facial dysmorphism-immunodeficiency-livedo-short stature syndrome. Also called: FILS syndrome; Facial dysmorphism, immunodeficiency, livedo, and short stature. Identifiers: Orphanet 352712, MedGen C3554576, MONDO:0014058, OMIM 615139.
Colorectal cancer, susceptibility to, 12 (CRCS12). Also called: COLORECTAL CANCER, SUSCEPTIBILITY TO, ON CHROMOSOME 12q24. Identifiers: Orphanet 220460, MedGen C3554460, MONDO:0014038, OMIM 615083.
Intrauterine growth retardation, metaphyseal dysplasia, adrenal hypoplasia congenita, genital anomalies, and immunodeficiency. Also called: IMAGEI SYNDROME. Identifiers: MedGen C5193036, MONDO:0032684, OMIM 618336.
POLE-related polyposis and colorectal cancer syndrome. Identifiers: MedGen CN324030, MONDO:0100287.

Submissions (12):

Mayo Clinic Laboratories, Mayo Clinic
Classification: Benign. Last evaluated: 2025-08-12. Review status: criteria provided, single submitter. Criteria: ACMG Guidelines, 2015. Collection method: clinical testing. Allele origin: germline. Observed: 317 variant alleles.
Comment: BA1

Center for Genomic Medicine, Rigshospitalet, Copenhagen University Hospital
Classification: Likely benign. Last evaluated: 2025-03-04. Review status: criteria provided, single submitter. Criteria: ACMG Guidelines, 2015. Collection method: clinical testing. Allele origin: germline.

Blueprint Genetics
Classification: Likely benign. Last evaluated: 2024-11-27. Review status: criteria provided, single submitter. Criteria: ACMG Guidelines, 2015. Collection method: clinical testing. Allele origin: germline.

Fulgent Genetics
Classification: Benign for Colorectal cancer, susceptibility to, 12; Facial dysmorphism-immunodeficiency-livedo-short stature syndrome; Intrauterine growth retardation, metaphyseal dysplasia, adrenal hypoplasia congenita, genital anomalies, and immunodeficiency. Last evaluated: 2022-01-17. Review status: criteria provided, single submitter. Criteria: ACMG Guidelines, 2015. Collection method: clinical testing. Allele origin: unknown.

Department of Pathology and Laboratory Medicine, Sinai Health System
Classification: Benign for POLE-related polyposis and colorectal cancer syndrome. Last evaluated: 2020-07-16. Review status: criteria provided, single submitter. Criteria: ACMG Guidelines, 2015. Collection method: clinical testing. Allele origin: germline.

Labcorp Genetics (formerly Invitae), Labcorp
Classification: Benign for Colorectal cancer, susceptibility to, 12. Last evaluated: 2019-12-11. Review status: criteria provided, single submitter. Criteria: Invitae Variant Classification Sherloc (09022015). Collection method: clinical testing. Allele origin: germline.

GeneDx
Classification: Benign. Last evaluated: 2019-08-13. Review status: criteria provided, single submitter. Criteria: GeneDx Variant Classification Process June 2021. Collection method: clinical testing. Allele origin: germline. Affected: yes.

Clinical Genetics DNA and cytogenetics Diagnostics Lab, Erasmus MC, Erasmus Medical Center
Classification: Benign. Review status: no assertion criteria provided. Collection method: clinical testing. Allele origin: germline. Affected: yes. Study: VKGL Data-share Consensus. Not counted in ClinVar's aggregate classification.

Diagnostic Laboratory, Department of Genetics, University Medical Center Groningen
Classification: Benign. Review status: no assertion criteria provided. Collection method: clinical testing. Allele origin: germline. Affected: yes. Study: VKGL Data-share Consensus. Not counted in ClinVar's aggregate classification.

Genome Diagnostics Laboratory, Amsterdam University Medical Center
Classification: Benign. Review status: no assertion criteria provided. Collection method: clinical testing. Allele origin: germline. Affected: yes. Study: VKGL Data-share Consensus. Not counted in ClinVar's aggregate classification.

Genome Diagnostics Laboratory, University Medical Center Utrecht
Classification: Benign. Review status: no assertion criteria provided. Collection method: clinical testing. Allele origin: germline. Affected: yes. Study: VKGL Data-share Consensus. Not counted in ClinVar's aggregate classification.

Laboratory of Diagnostic Genome Analysis, Leiden University Medical Center (LUMC)
Classification: Likely benign. Review status: no assertion criteria provided. Collection method: clinical testing. Allele origin: germline. Affected: yes. Study: VKGL Data-share Consensus. Not counted in ClinVar's aggregate classification.

NM_006231.4(POLE):c.2865-4del

Gene: POLE (DNA polymerase epsilon, catalytic subunit; minus strand). Cytogenetic location: 12q24.33.
Variant type: Deletion.
Coding change: c.2865-4del on transcript NM_006231.4 (MANE Select); 4 bases into the intron before coding-DNA position 2865, one base deleted (T; older notation c.2865-4delT).
Molecular consequence: intron variant.
Genome position (GRCh38, 1-based): chr12:132,661,168, A deleted on the plus strand (T on the coding strand, the reverse complement: POLE is on the minus strand); the first of 14 consecutive A bases (chr12:132,661,168-132,661,181); deleting any one gives the same sequence. VCF-style (leftmost placement, unchanged base first): chr12-132661167-GA-G. GRCh37 (hg19) VCF-style: chr12-133237753-GA-G.
Other names: p.?; c.2865-4del (NM_006231.3); c.2865-4delT (NM_006231.4).
Identifiers: ClinVar variation 695292 (VCV000695292.23), dbSNP rs369732588, ClinGen allele CA6893417.